The following is an entry in ClinVar:

NM_001080.3(ALDH5A1):c.1267A>T (p.Thr423Ser)

Gene: ALDH5A1 (aldehyde dehydrogenase 5 family member A1; plus strand). Cytogenetic location: 6p22.3.
Variant type: single nucleotide variant.
Coding change: c.1267A>T on transcript NM_001080.3 (MANE Select); coding-DNA position 1267, A replaced by T.
Protein change: p.Thr423Ser; replaces threonine 423 with serine.
Molecular consequence: missense variant.
Genome position (GRCh38, 1-based): chr6:24,528,090, A>T. VCF-style: chr6-24528090-A-T. GRCh37 (hg19) VCF-style: chr6-24528318-A-T.
Other names: c.1123A>T, p.Thr375Ser (NM_001368954.1); c.1306A>T, p.Thr436Ser (NM_170740.1); short protein forms T375S, T436S, T423S.
Identifiers: ClinVar variation 1878481 (VCV001878481.4), dbSNP rs1759856050, ClinGen allele CA362978555.
Genomic context (GRCh38, chr6:24,528,090, plus strand): 5'-GGTGCCACCGTTGTGACAGGTGGAAAACGACACCAACTTGGAAAAAATTTCTTTGAGCCT[A>T]CCCTGCTGTGCAATGTCACCCAGGACATGCTGTGCACTCATGAAGAGACTTTCGGGCCTC-3'
Protein context (NP_001071.1, residues 413-433): HQLGKNFFEP[Thr423Ser]LLCNVTQDML

ClinVar aggregate classification (germline): Likely pathogenic (1 of 4 stars; one submission).

Conditions:
Succinate-semialdehyde dehydrogenase deficiency (SSADHD). Also called: Succinic Semialdehyde Dehydrogenase Deficiency; SSADH DEFICIENCY; 4-HYDROXYBUTYRIC ACIDURIA; GABA METABOLIC DEFECT. Identifiers: Orphanet 22, MedGen C0268631, MONDO:0010083, OMIM 271980.

Submission:

Elsea Laboratory, Baylor College of Medicine
Classification: Likely pathogenic for Succinate-semialdehyde dehydrogenase deficiency. Last evaluated: 2021-03-08. Review status: criteria provided, single submitter. Criteria: Martin et al. (J Child Neurol. 2021). Collection method: curation. Allele origin: germline. Affected: yes.
Comment: catalytic domain

Literature cited by the submitters: PubMed 29895405; PubMed 33203024; PubMed 21612881.